The following is an entry in ClinVar:

NM_001198950.3(MYO16):c.916G>A (p.Val306Met)

Gene: MYO16 (myosin XVI; plus strand). Cytogenetic location: 13q33.3.
Variant type: single nucleotide variant.
Coding change: c.916G>A on transcript NM_001198950.3 (MANE Select); coding-DNA position 916, G replaced by A.
Protein change: p.Val306Met; replaces valine 306 with methionine.
Molecular consequence: missense variant.
Genome position (GRCh38, 1-based): chr13:108,820,385, G>A. VCF-style: chr13-108820385-G-A. GRCh37 (hg19) VCF-style: chr13-109472733-G-A.
Other names: c.850G>A, p.Val284Met (NM_015011.3); short protein forms V284M, V306M.
Identifiers: ClinVar variation 3060806 (VCV003060806.2), dbSNP rs41308564, ClinGen allele CA7044559.

ClinVar aggregate classification (germline): Benign (0 of 4 stars; one submission).

Conditions:
MYO16-related disorder. Also called: MYO16-related condition.

Allele frequency attached by ClinVar (database versions not stated): ESP Exome Variant Server 0.02207; gnomAD 0.02862; TOPMed 0.03169; 1000 Genomes Project 0.04892; 1000 Genomes Project 30x 0.04903; ExAC 0.06319.
gnomAD v4.1: 53,011 of 1,606,406 alleles (3.3%); highest among the groups gnomAD compares: East Asian, 14%; 1,459 homozygotes.

Submission:

PreventionGenetics, part of Exact Sciences
Classification: Benign for MYO16-related condition. Last evaluated: 2019-09-10. Review status: no assertion criteria provided. Collection method: clinical testing. Allele origin: germline.
Comment: This variant is classified as benign based on ACMG/AMP sequence variant interpretation guidelines (Richards et al. 2015 PMID: 25741868, with internal and published modifications).